The following is an entry in ClinVar:

ClinVar aggregate classification (germline): Likely benign (1 of 4 stars; one submission).

gnomAD v4.1: 4 of 1,613,698 alleles (0.00025%); highest among the groups gnomAD compares: Non-Finnish European, 0.00034%; no homozygotes.

Submission:

CeGaT Center for Human Genetics Tuebingen
Classification: Likely benign. Last evaluated: 2026-08-01. Review status: criteria provided, single submitter. Criteria: CeGaT Center For Human Genetics Tuebingen Variant Classification Criteria Version 2. Collection method: clinical testing. Allele origin: germline. Affected: yes. Observed: 1 variant allele.
Comment: NDUFA11: BP4, BP7

NM_175614.5(NDUFA11):c.99C>A (p.Gly33=)

Gene: NDUFA11 (NADH:ubiquinone oxidoreductase subunit A11; minus strand). Cytogenetic location: 19p13.3.
Variant type: single nucleotide variant.
Coding change: c.99C>A on transcript NM_175614.5 (MANE Select); coding-DNA position 99, C replaced by A.
Protein change: p.Gly33=; no amino-acid change (glycine 33 retained).
Molecular consequence: synonymous variant. On other transcripts: non-coding transcript variant (1).
Genome position (GRCh38, 1-based): chr19:5,896,996, G>T on the plus strand (C>A on the coding strand, the complement: NDUFA11 is on the minus strand). VCF-style: chr19-5896996-G-T. GRCh37 (hg19) VCF-style: chr19-5897007-G-T.
Other names: c.99C>A, p.Gly33= (NM_001193375.3).
Identifiers: ClinVar variation 5039199 (VCV005039199.1).